The following is an entry in ClinVar:

ClinVar aggregate classification (germline): Uncertain significance (1 of 4 stars; one submission).

Allele frequency attached by ClinVar (database versions not stated): gnomAD exomes below 0.00001; gnomAD 0.00002; TOPMed 0.00002.
gnomAD v4.1: 4 of 1,613,808 alleles (0.00025%); highest among the groups gnomAD compares: African/African-American, 0.0053%; no homozygotes.

Submission:

Labcorp Genetics (formerly Invitae), Labcorp
Classification: Uncertain significance. Last evaluated: 2021-04-23. Review status: criteria provided, single submitter. Criteria: Invitae Variant Classification Sherloc (09022015). Collection method: clinical testing. Allele origin: germline.
Comment: This sequence change replaces glycine with arginine at codon 804 of the ABCC6 protein (p.Gly804Arg). The glycine residue is weakly conserved and there is a moderate physicochemical difference between glycine and arginine. In summary, the available evidence is currently insufficient to determine the role of this variant in disease. Therefore, it has been classified as a Variant of Uncertain Significance. Advanced modeling of protein sequence and biophysical properties (such as structural, functional, and spatial information, amino acid conservation, physicochemical variation, residue mobility, and thermodynamic stability) performed at Invitae indicates that this missense variant is not expected to disrupt ABCC6 protein function. This variant has not been reported in the literature in individuals with ABCC6-related conditions. This variant is not present in population databases (ExAC no frequency).

NM_001171.6(ABCC6):c.2410G>A (p.Gly804Arg)

Gene: ABCC6 (ATP binding cassette subfamily C member 6; minus strand). Cytogenetic location: 16p13.11.
Variant type: single nucleotide variant.
Coding change: c.2410G>A on transcript NM_001171.6 (MANE Select); coding-DNA position 2410, G replaced by A.
Protein change: p.Gly804Arg; replaces glycine 804 with arginine.
Molecular consequence: missense variant. On other transcripts: non-coding transcript variant (1).
Genome position (GRCh38, 1-based): chr16:16,178,803, C>T on the plus strand (G>A on the coding strand, the complement: ABCC6 is on the minus strand). VCF-style: chr16-16178803-C-T. GRCh37 (hg19) VCF-style: chr16-16272660-C-T.
Other names: c.2068G>A, p.Gly690Arg (NM_001351800.1); short protein forms G804R, G690R.
Identifiers: ClinVar variation 1394955 (VCV001394955.8), dbSNP rs888620785, ClinGen allele CA278645195.